The following is an entry in ClinVar:

ClinVar aggregate classification (germline): Benign. Review status: criteria provided, multiple submitters, no conflicts (2 of 4 stars). 10 submissions from 10 submitters: Benign (8). 2 of the submissions do not count toward it. Last evaluated 2026-02-04.

Conditions:
Hereditary cancer-predisposing syndrome. Also called: Neoplastic Syndromes, Hereditary; Tumor predisposition; Hereditary neoplastic syndrome; Hereditary Cancer Syndrome. Identifiers: Orphanet 140162, MedGen C0027672, MeSH D009386, MONDO:0015356.
Neuroblastoma, susceptibility to, 3. Also called: ALK-Related Neuroblastic Tumor Susceptibility. Identifiers: Orphanet 635, MedGen C2751681, MONDO:0013083, OMIM 613014.

Allele frequency attached by ClinVar (database versions not stated): TOPMed 0.00362; 1000 Genomes Project 30x 0.00921; 1000 Genomes Project 0.01078.
gnomAD v4.1: 3,630 of 1,613,912 alleles (0.22%); highest among the groups gnomAD compares: East Asian, 7.3%; 133 homozygotes.

Submissions (10):

Labcorp Genetics (formerly Invitae), Labcorp
Classification: Benign for Neuroblastoma, susceptibility to, 3. Last evaluated: 2026-02-04. Review status: criteria provided, single submitter. Criteria: Invitae Variant Classification Sherloc (09022015). Collection method: clinical testing. Allele origin: germline.

ARUP Laboratories, Molecular Genetics and Genomics, ARUP Laboratories
Classification: Benign for Neuroblastoma, susceptibility to, 3. Last evaluated: 2025-06-26. Review status: criteria provided, single submitter. Criteria: ARUP Molecular Germline Variant Investigation Process 2024. Collection method: clinical testing. Allele origin: germline.

KCCC/NGS Laboratory, Kuwait Cancer Control Center
Classification: Benign for Neuroblastoma, susceptibility to, 3. Last evaluated: 2023-07-07. Review status: criteria provided, single submitter. Criteria: ACMG Guidelines, 2015. Collection method: clinical testing. Allele origin: germline. Affected: yes.

GeneDx
Classification: Benign. Last evaluated: 2018-07-05. Review status: criteria provided, single submitter. Criteria: GeneDx Variant Classification Process June 2021. Collection method: clinical testing. Allele origin: germline. Affected: yes.

Women's Health and Genetics/Laboratory Corporation of America, LabCorp
Classification: Benign. Last evaluated: 2018-07-03. Review status: criteria provided, single submitter. Criteria: LabCorp Variant Classification Summary - May 2015. Collection method: clinical testing. Allele origin: germline.
Comment: Variant summary: ALK c.3600G>C alters a non-conserved nucleotide resulting in a synonymous change. 5/5 computational tools predict no significant impact on normal splicing. However, these predictions have yet to be confirmed by functional studies. The variant allele was found at a frequency of 0.0039 in 276458 control chromosomes in the gnomAD database, including 31 homozygotes. The observed variant frequency is approximately 9306-fold higher than the estimated maximal expected allele frequency for a pathogenic variant in ALK causing Neuroblastoma, Susceptibility Type 3 phenotype (4.2e-07), strongly suggesting that the variant is benign. To our knowledge, no occurrence of c.3600G>C in individuals affected with Neuroblastoma, Susceptibility Type 3 and no experimental evidence demonstrating its impact on protein function have been reported. Three ClinVar submissions from clinical diagnostic laboratories (evaluation after 2014) cite the variant as "likely benign/benign." Based on the evidence outlined above, the variant was classified as benign.

Illumina Laboratory Services, Illumina
Classification: Benign for Neuroblastoma, susceptibility to, 3. Last evaluated: 2018-01-13. Review status: criteria provided, single submitter. Criteria: ICSL Variant Classification Criteria 13 December 2019. Collection method: clinical testing. Allele origin: germline.
Comment: This variant was observed in the ICSL laboratory as part of a predisposition screen in an ostensibly healthy population. It had not been previously curated by ICSL or reported in the Human Gene Mutation Database (HGMD: prior to June 1st, 2018), and was therefore a candidate for classification through an automated scoring system. Utilizing variant allele frequency, disease prevalence and penetrance estimates, and inheritance mode, an automated score was calculated to assess if this variant is too frequent to cause the disease. Based on the score and internal cut-off values, a variant classified as benign is not then subjected to further curation. The score for this variant resulted in a classification of benign for this disease.

Ambry Genetics
Classification: Benign for Hereditary cancer-predisposing syndrome. Last evaluated: 2017-02-10. Review status: criteria provided, single submitter. Criteria: Ambry Variant Classification Scheme 2023. Collection method: clinical testing. Allele origin: germline.

Breakthrough Genomics
Classification: Benign. Review status: criteria provided, single submitter. Criteria: ACMG Guidelines, 2015. Collection method: not provided. Allele origin: germline. Inheritance: Unknown mechanism. Affected: yes.

Clinical Genetics DNA and cytogenetics Diagnostics Lab, Erasmus MC, Erasmus Medical Center
Classification: Benign. Review status: no assertion criteria provided. Collection method: clinical testing. Allele origin: germline. Affected: yes. Study: VKGL Data-share Consensus. Not counted in ClinVar's aggregate classification.

Genome Diagnostics Laboratory, Amsterdam University Medical Center
Classification: Benign. Review status: no assertion criteria provided. Collection method: clinical testing. Allele origin: germline. Affected: yes. Study: VKGL Data-share Consensus. Not counted in ClinVar's aggregate classification.

NM_004304.5(ALK):c.3600G>C (p.Ala1200=)

Gene: ALK (ALK receptor tyrosine kinase; minus strand). Cytogenetic location: 2p23.2.
Variant type: single nucleotide variant.
Coding change: c.3600G>C on transcript NM_004304.5 (MANE Select); coding-DNA position 3600, G replaced by C.
Protein change: p.Ala1200=; no amino-acid change (alanine 1200 retained).
Molecular consequence: synonymous variant.
Genome position (GRCh38, 1-based): chr2:29,220,751, C>G on the plus strand (G>C on the coding strand, the complement: ALK is on the minus strand). VCF-style: chr2-29220751-C-G. GRCh37 (hg19) VCF-style: chr2-29443617-C-G.
Other names: c.396G>C, p.Ala132= (NM_001353765.2).
Identifiers: ClinVar variation 239827 (VCV000239827.32), dbSNP rs56247462, ClinGen allele CA1593851.